The following is an entry in ClinVar:

NM_014233.4(UBTF):c.1836G>A (p.Lys612=)

Genes: ATXN7L3-AS1 (ATXN7L3 antisense RNA 1; plus strand), UBTF (upstream binding transcription factor; minus strand). Cytogenetic location: 17q21.31.
Variant type: single nucleotide variant.
Coding change: c.1836G>A on transcript NM_014233.4 (MANE Select); coding-DNA position 1836, G replaced by A.
Protein change: p.Lys612=; no amino-acid change (lysine 612 retained).
Molecular consequence: synonymous variant. On other transcripts: non-coding transcript variant (1).
Genome position (GRCh38, 1-based): chr17:44,209,421, C>T on the plus strand (G>A on the coding strand, the complement: UBTF is on the minus strand). VCF-style: chr17-44209421-C-T. GRCh37 (hg19) VCF-style: chr17-42286789-C-T.
Other names: c.1725G>A, p.Lys575= (NM_001076683.2, NM_001076684.3).
Identifiers: ClinVar variation 3060402 (VCV003060402.2), dbSNP rs140445216, ClinGen allele CA8599354.

ClinVar aggregate classification (germline): Benign (0 of 4 stars; one submission).

Conditions:
UBTF-related disorder. Also called: UBTF-related condition.

Allele frequency attached by ClinVar (database versions not stated): ESP Exome Variant Server 0.00054; gnomAD exomes 0.00144; gnomAD 0.00192; TOPMed 0.00317; 1000 Genomes Project 0.00339; 1000 Genomes Project 30x 0.00344; ExAC 0.00477.
gnomAD v4.1: 2,413 of 1,614,152 alleles (0.15%); highest among the groups gnomAD compares: Admixed American, 2.2%; 40 homozygotes.

Submission:

PreventionGenetics, part of Exact Sciences
Classification: Benign for UBTF-related condition. Last evaluated: 2019-05-14. Review status: no assertion criteria provided. Collection method: clinical testing. Allele origin: germline.
Comment: This variant is classified as benign based on ACMG/AMP sequence variant interpretation guidelines (Richards et al. 2015 PMID: 25741868, with internal and published modifications).